The following is an entry in ClinVar:

NM_001394062.1(MACF1):c.9970A>C (p.Arg3324=)

Gene: MACF1 (microtubule actin crosslinking factor 1; plus strand). Cytogenetic location: 1p34.3.
Variant type: single nucleotide variant.
Coding change: c.9970A>C on transcript NM_001394062.1 (MANE Select); coding-DNA position 9970, A replaced by C.
Protein change: p.Arg3324=; no amino-acid change (arginine 3324 retained).
Molecular consequence: synonymous variant. On other transcripts: intron variant (1).
Genome position (GRCh38, 1-based): chr1:39,336,558, A>C. VCF-style: chr1-39336558-A-C. GRCh37 (hg19) VCF-style: chr1-39802230-A-C.
Other names: c.4629+9205A>C (NM_012090.5).
Identifiers: ClinVar variation 3771082 (VCV003771082.13).

ClinVar aggregate classification (germline): Likely benign (1 of 4 stars; one submission).

Submission:

CeGaT Center for Human Genetics Tuebingen
Classification: Likely benign. Last evaluated: 2025-01-01. Review status: criteria provided, single submitter. Criteria: CeGaT Center For Human Genetics Tuebingen Variant Classification Criteria Version 2. Collection method: clinical testing. Allele origin: germline. Affected: yes. Observed: 1 variant allele.
Comment: MACF1: BP4, BP7